The following is an entry in ClinVar:

NC_000002.11:g.(?_112751808)_(112752001_?)del

Gene: MERTK (MER proto-oncogene, tyrosine kinase; plus strand). Cytogenetic location: 2q13.
Variant type: Deletion.
Identifiers: ClinVar variation 2425573 (VCV002425573.3).

ClinVar aggregate classification (germline): Pathogenic (1 of 4 stars; one submission).

Submission:

Labcorp Genetics (formerly Invitae), Labcorp
Classification: Pathogenic. Last evaluated: 2022-04-18. Review status: criteria provided, single submitter. Criteria: Invitae Variant Classification Sherloc (09022015). Collection method: clinical testing. Allele origin: germline.
Comment: This variant is a gross deletion of the genomic region encompassing exon(s) 9 of the MERTK gene. This deletion is out-of-frame, and is expected to create a premature termination codon and result in an absent or disrupted protein product. Loss-of-function variants in MERTK are known to be pathogenic (PMID: 24265693, 29659094). A similar copy number variant has been observed in individual(s) with inherited retinal dystrophy (PMID: 33252167). For these reasons, this variant has been classified as Pathogenic.

Literature cited by the submitters: PubMed 24265693; PubMed 29659094; PubMed 33252167.